The following is an entry in ClinVar:

ClinVar aggregate classification (germline): Uncertain significance (1 of 4 stars; one submission).

Conditions:
Inborn genetic diseases. Identifiers: MedGen C0950123, MeSH D030342.

gnomAD v4.1: 1 of 1,614,242 alleles (0.000062%); highest among the groups gnomAD compares: Middle Eastern, 0.016%; no homozygotes.

Submission:

Ambry Genetics
Classification: Uncertain significance for Inborn genetic diseases. Last evaluated: 2026-08-02. Review status: criteria provided, single submitter. Criteria: Ambry Variant Classification Scheme 2023. Collection method: clinical testing. Allele origin: germline.
Comment: The p.P1272H variant (also known as c.3815C>A), located in coding exon 13 of the ASXL1 gene, results from a C to A substitution at nucleotide position 3815. The proline at codon 1272 is replaced by histidine, an amino acid with similar properties. This amino acid position is conserved. In addition, this alteration is predicted to be tolerated by in silico analysis. Based on the available evidence, the clinical significance of this variant remains unclear.

NM_015338.6(ASXL1):c.3815C>A (p.Pro1272His)

Gene: ASXL1 (ASXL transcriptional regulator 1; plus strand). Cytogenetic location: 20q11.21.
Variant type: single nucleotide variant.
Coding change: c.3815C>A on transcript NM_015338.6 (MANE Select); coding-DNA position 3815, C replaced by A.
Protein change: p.Pro1272His; replaces proline 1272 with histidine.
Molecular consequence: missense variant.
Genome position (GRCh38, 1-based): chr20:32,436,527, C>A. VCF-style: chr20-32436527-C-A. GRCh37 (hg19) VCF-style: chr20-31024330-C-A.
Other names: c.3632C>A, p.Pro1211His (NM_001363734.1); short protein forms P1211H, P1272H.
Identifiers: ClinVar variation 5030165 (VCV005030165.1).